The following is an entry in ClinVar:

NM_178857.6(RP1L1):c.3961C>G (p.Gln1321Glu)

Gene: RP1L1 (RP1 like 1). Cytogenetic location: 8p23.1.
Variant type: single nucleotide variant.
Coding change: c.3961C>G on transcript NM_178857.6 (MANE Select); coding-DNA position 3961, C replaced by G.
Protein change: p.Gln1321Glu; replaces glutamine 1321 with glutamic acid.
Molecular consequence: missense variant.
Genome position (GRCh38, 1-based): chr8:10,610,137, G>C on the plus strand (C>G on the coding strand, the complement: RP1L1 is on the minus strand). VCF-style: chr8-10610137-G-C. GRCh37 (hg19) VCF-style: chr8-10467647-G-C.
Other names: short protein forms Q1321E.
Identifiers: ClinVar variation 361298 (VCV000361298.7), dbSNP rs200373757, ClinGen allele CA4624283.
Genomic context (GRCh38, chr8:10,610,137, plus strand): 5'-TTTCCTCTAACTGCACCCCCTCTTCTTGCAGCCCTTCTTCTGTTTTAGTTTCCTCTAACT[G>C]CACCGCCTCTTCTTGCAGCCCTTCTCCTTCTGTTCCTTCTTTAGTTTCCTCTAATTGCAC-3'
Protein context (NP_849188.4, residues 1311-1331): EGEGLQEEAV[Gln1321Glu]LEETKTEEGL

ClinVar aggregate classification (germline): Benign. Review status: criteria provided, multiple submitters, no conflicts (2 of 4 stars). 2 submissions from 2 submitters: Benign (2). Last evaluated 2018-01-13.

Conditions:
Occult macular dystrophy (OCMD). Also called: OCCULT MACULAR DYSTROPHY, SUSCEPTIBILITY TO; OMD. Identifiers: Orphanet 247834, MedGen C3150833, MONDO:0013316, OMIM 613587, HP:0030636.

Allele frequency attached by ClinVar (database versions not stated): gnomAD 0.03153 and 0.03198; ExAC 0.03164; ESP Exome Variant Server 0.04148.
gnomAD v4.1: 33,988 of 1,432,726 alleles (2.4%); highest among the groups gnomAD compares: Middle Eastern, 5.1%; 859 homozygotes.

Submissions (2):

Illumina Laboratory Services, Illumina
Classification: Benign for Occult macular dystrophy. Last evaluated: 2018-01-13. Review status: criteria provided, single submitter. Criteria: ICSL Variant Classification Criteria 13 December 2019. Collection method: clinical testing. Allele origin: germline.
Comment: This variant was observed in the ICSL laboratory as part of a predisposition screen in an ostensibly healthy population. It had not been previously curated by ICSL or reported in the Human Gene Mutation Database (HGMD: prior to June 1st, 2018), and was therefore a candidate for classification through an automated scoring system. Utilizing variant allele frequency, disease prevalence and penetrance estimates, and inheritance mode, an automated score was calculated to assess if this variant is too frequent to cause the disease. Based on the score and internal cut-off values, a variant classified as benign is not then subjected to further curation. The score for this variant resulted in a classification of benign for this disease.

Breakthrough Genomics
Classification: Benign. Review status: criteria provided, single submitter. Criteria: ACMG Guidelines, 2015. Collection method: not provided. Allele origin: germline. Inheritance: Autosomal recessive inheritance. Affected: yes.